The following is an entry in ClinVar:

NM_004006.3(DMD):c.1209A>T (p.Gly403=)

Gene: DMD (dystrophin; minus strand). Cytogenetic location: Xp21.1.
Variant type: single nucleotide variant.
Coding change: c.1209A>T on transcript NM_004006.3 (MANE Select); coding-DNA position 1209, A replaced by T.
Protein change: p.Gly403=; no amino-acid change (glycine 403 retained).
Molecular consequence: synonymous variant.
Genome position (GRCh38, 1-based): chrX:32,644,254, T>A on the plus strand (A>T on the coding strand, the complement: DMD is on the minus strand). VCF-style: chrX-32644254-T-A. GRCh37 (hg19) VCF-style: chrX-32662371-T-A.
Other names: c.1185A>T, p.Gly395= (NM_000109.4); c.1197A>T, p.Gly399= (NM_004009.3); c.840A>T, p.Gly280= (NM_004010.3).
Identifiers: ClinVar variation 1542675 (VCV001542675.32), dbSNP rs755647122, ClinGen allele CA10379943.

ClinVar aggregate classification (germline): Likely benign. Review status: criteria provided, multiple submitters, no conflicts (2 of 4 stars). 2 submissions from 2 submitters: Likely benign (2). Last evaluated 2023-03-01.

Conditions:
Duchenne muscular dystrophy (DMD). Also called: Duchenne Muscular Dystrophy (DMD); MUSCULAR DYSTROPHY, PSEUDOHYPERTROPHIC PROGRESSIVE, DUCHENNE TYPE. Identifiers: Orphanet 98896, MedGen C0013264, MONDO:0010679, OMIM 310200.

Allele frequency attached by ClinVar (database versions not stated): gnomAD exomes 0.00001; ExAC 0.00002.

Submissions (2):

CeGaT Center for Human Genetics Tuebingen
Classification: Likely benign. Last evaluated: 2023-03-01. Review status: criteria provided, single submitter. Criteria: CeGaT Center For Human Genetics Tuebingen Variant Classification Criteria Version 2. Collection method: clinical testing. Allele origin: germline. Affected: yes. Observed: 1 variant allele.
Comment: DMD: BP4, BP7

Labcorp Genetics (formerly Invitae), Labcorp
Classification: Likely benign for Duchenne muscular dystrophy. Last evaluated: 2022-04-22. Review status: criteria provided, single submitter. Criteria: Invitae Variant Classification Sherloc (09022015). Collection method: clinical testing. Allele origin: germline.